The following is an entry in ClinVar:

ClinVar aggregate classification (germline): Uncertain significance (1 of 4 stars; one submission).

Allele frequency attached by ClinVar (database versions not stated): gnomAD exomes below 0.00001; TOPMed below 0.00001.
gnomAD v4.1: 1 of 1,614,088 alleles (0.000062%); highest among the groups gnomAD compares: Non-Finnish European, 0.000085%; no homozygotes.

Submission:

Labcorp Genetics (formerly Invitae), Labcorp
Classification: Uncertain significance. Last evaluated: 2022-01-06. Review status: criteria provided, single submitter. Criteria: Invitae Variant Classification Sherloc (09022015). Collection method: clinical testing. Allele origin: germline.
Comment: This sequence change replaces isoleucine, which is neutral and non-polar, with valine, which is neutral and non-polar, at codon 434 of the ADAMTS18 protein (p.Ile434Val). In summary, the available evidence is currently insufficient to determine the role of this variant in disease. Therefore, it has been classified as a Variant of Uncertain Significance. Algorithms developed to predict the effect of missense changes on protein structure and function are either unavailable or do not agree on the potential impact of this missense change (SIFT: "Not Available"; PolyPhen-2: "Possibly Damaging"; Align-GVGD: "Not Available"). ClinVar contains an entry for this variant (Variation ID: 1007918). This variant has not been reported in the literature in individuals affected with ADAMTS18-related conditions. This variant is not present in population databases (gnomAD no frequency).

NM_199355.4(ADAMTS18):c.1300A>G (p.Ile434Val)

Gene: ADAMTS18 (ADAM metallopeptidase with thrombospondin type 1 motif 18; minus strand). Cytogenetic location: 16q23.1.
Variant type: single nucleotide variant.
Coding change: c.1300A>G on transcript NM_199355.4 (MANE Select); coding-DNA position 1300, A replaced by G.
Protein change: p.Ile434Val; replaces isoleucine 434 with valine.
Molecular consequence: missense variant.
Genome position (GRCh38, 1-based): chr16:77,359,340, T>C on the plus strand (A>G on the coding strand, the complement: ADAMTS18 is on the minus strand). VCF-style: chr16-77359340-T-C. GRCh37 (hg19) VCF-style: chr16-77393237-T-C.
Other names: c.784A>G, p.Ile262Val (NM_001326358.2); short protein forms I262V, I434V.
Identifiers: ClinVar variation 1007918 (VCV001007918.10), dbSNP rs1053641510, ClinGen allele CA396835054.